The following is an entry in ClinVar:

NM_014244.5(ADAMTS2):c.*847C>T

Gene: ADAMTS2 (ADAM metallopeptidase with thrombospondin type 1 motif 2; minus strand). Cytogenetic location: 5q35.3.
Variant type: single nucleotide variant.
Coding change: c.*847C>T on transcript NM_014244.5 (MANE Select); 847 bases downstream of the stop codon, C replaced by T.
Molecular consequence: 3 prime UTR variant.
Genome position (GRCh38, 1-based): chr5:179,113,020, G>A on the plus strand (C>T on the coding strand, the complement: ADAMTS2 is on the minus strand). VCF-style: chr5-179113020-G-A. GRCh37 (hg19) VCF-style: chr5-178540021-G-A.
Identifiers: ClinVar variation 353071 (VCV000353071.5), dbSNP rs78622875, ClinGen allele CA10624258.

ClinVar aggregate classification (germline): Benign (1 of 4 stars; one submission).

Conditions:
Ehlers-Danlos syndrome, dermatosparaxis type. Also called: EDS VIIC; Dermatosparaxis; Ehlers-Danlos syndrome, type VII, autosomal recessive. Identifiers: Orphanet 1901, MedGen C2700425, MONDO:0009161, OMIM 225410.

Allele frequency attached by ClinVar (database versions not stated): 1000 Genomes Project 30x 0.05262; 1000 Genomes Project 0.05371; TOPMed 0.08806; gnomAD 0.09613 and 0.09771.

Submission:

Illumina Laboratory Services, Illumina
Classification: Benign for Ehlers-Danlos syndrome, dermatosparaxis type. Last evaluated: 2018-01-13. Review status: criteria provided, single submitter. Criteria: ICSL Variant Classification Criteria 13 December 2019. Collection method: clinical testing. Allele origin: germline.
Comment: This variant was observed in the ICSL laboratory as part of a predisposition screen in an ostensibly healthy population. It had not been previously curated by ICSL or reported in the Human Gene Mutation Database (HGMD: prior to June 1st, 2018), and was therefore a candidate for classification through an automated scoring system. Utilizing variant allele frequency, disease prevalence and penetrance estimates, and inheritance mode, an automated score was calculated to assess if this variant is too frequent to cause the disease. Based on the score and internal cut-off values, a variant classified as benign is not then subjected to further curation. The score for this variant resulted in a classification of benign for this disease.